The following is an entry in ClinVar:

NM_012434.5(SLC17A5):c.918T>G (p.Tyr306Ter)

Gene: SLC17A5 (solute carrier family 17 member 5; minus strand). Cytogenetic location: 6q13.
Variant type: single nucleotide variant.
Coding change: c.918T>G on transcript NM_012434.5 (MANE Select); coding-DNA position 918, T replaced by G.
Protein change: p.Tyr306Ter; replaces tyrosine 306 with a stop codon.
Molecular consequence: nonsense.
Genome position (GRCh38, 1-based): chr6:73,621,864, A>C on the plus strand (T>G on the coding strand, the complement: SLC17A5 is on the minus strand). VCF-style: chr6-73621864-A-C. GRCh37 (hg19) VCF-style: chr6-74331587-A-C.
Other names: short protein forms Y306*.
Identifiers: ClinVar variation 440272 (VCV000440272.75), dbSNP rs201284672, ClinGen allele CA3890395.

ClinVar aggregate classification (germline): Pathogenic. Review status: criteria provided, multiple submitters, no conflicts (2 of 4 stars). 15 submissions from 15 submitters: Pathogenic (13). 2 of the submissions do not count toward it. Last evaluated 2026-02-04.

Conditions:
SLC17A5-related disorder. Also called: SLC17A5-related condition; SLC17A5-related disorders.
Salla disease (SD). Also called: Less Severe FSASD (Salla Disease); Sialuria, Finnish type; N-acetylneuraminic acid (NANA) storage disease (NSD); Infantile sialic acid storage disorder (ISSD). Identifiers: Orphanet 309334, Orphanet 834, MedGen C1096903, MONDO:0011449, OMIM 604369.
Sialic acid storage disease, severe infantile type (ISSD). Also called: Free sialic acid storage disease, infantile form; INFANTILE SIALIC ACID STORAGE DISORDER; Infantile Sialic Acid Storage Disease; SIALURIA, INFANTILE FORM; N-ACETYLNEURAMINIC ACID STORAGE DISEASE; NANA STORAGE DISEASE. Identifiers: Orphanet 309324, Orphanet 834, MedGen C1096902, MONDO:0010027, OMIM 269920.

Allele frequency attached by ClinVar (database versions not stated): ExAC 0.00006; gnomAD exomes 0.00006 and 0.00008; gnomAD 0.00013 and 0.00014; TOPMed 0.00013; 1000 Genomes Project 30x 0.00031; 1000 Genomes Project 0.00040.
gnomAD v4.1: 113 of 1,613,600 alleles (0.007%); highest among the groups gnomAD compares: Admixed American, 0.062%; no homozygotes.

Submissions (15):

Labcorp Genetics (formerly Invitae), Labcorp
Classification: Pathogenic for Salla disease. Last evaluated: 2026-02-04. Review status: criteria provided, single submitter. Criteria: Invitae Variant Classification Sherloc (09022015). Collection method: clinical testing. Allele origin: germline.
Comment: This sequence change creates a premature translational stop signal (p.Tyr306*) in the SLC17A5 gene. It is expected to result in an absent or disrupted protein product. Loss-of-function variants in SLC17A5 are known to be pathogenic (PMID: 10581036, 10947946, 15172001). This variant is present in population databases (rs201284672, gnomAD 0.04%). This premature translational stop signal has been observed in individual(s) with sialic acid storage disease (PMID: 10947946, 24993898). ClinVar contains an entry for this variant (Variation ID: 440272). For these reasons, this variant has been classified as Pathogenic.

Dasa
Classification: Pathogenic. Last evaluated: 2024-11-14. Review status: criteria provided, single submitter. Criteria: DASA Assertion Criteria. Collection method: clinical testing. Allele origin: germline.
Comment: NM_012434.5(SLC17A5):c.918T>G (p.Tyr306*) introduces a premature termination codon predicted to result in loss of normal protein function. Loss-of-function is an established mechanism of disease for this gene. This variant has been observed in affected individuals with related phenotype in a genotype context consistent with recessive disease (PMID: 10947946). This variant has been reported in individuals with related phenotype (PMID: 10947946). The variant is present at low frequency in population datasets. Based on the available data, this variant is classified as pathogenic.

Baylor Genetics
Classification: Pathogenic for Salla disease. Last evaluated: 2024-03-18. Review status: criteria provided, single submitter. Criteria: ACMG Guidelines, 2015. Collection method: clinical testing. Allele origin: unknown.

Blueprint Genetics
Classification: Pathogenic for SLC17A5-related disorders. Last evaluated: 2023-11-22. Review status: criteria provided, single submitter. Criteria: ACMG Guidelines, 2015. Collection method: clinical testing. Allele origin: germline. Affected: yes. Observed: 5 variant alleles.

GeneDx
Classification: Pathogenic. Last evaluated: 2021-11-04. Review status: criteria provided, single submitter. Criteria: GeneDx Variant Classification Process June 2021. Collection method: clinical testing. Allele origin: germline. Affected: yes.
Comment: Nonsense variant predicted to result in protein truncation or nonsense mediated decay in a gene for which loss-of-function is a known mechanism of disease; This variant is associated with the following publications: (PMID: 25525159, 24993898, 10947946, 15805149, 24767253, 32071839, 34440436, 31589614)

Genome-Nilou Lab
Classification: Pathogenic for Salla disease. Last evaluated: 2021-09-05. Review status: criteria provided, single submitter. Criteria: ACMG Guidelines, 2015. Collection method: clinical testing. Allele origin: germline. Affected: no.

Revvity Omics, Revvity
Classification: Pathogenic. Last evaluated: 2021-09-01. Review status: criteria provided, single submitter. Criteria: ACMG Guidelines, 2015. Collection method: clinical testing. Allele origin: germline.

Fulgent Genetics
Classification: Pathogenic for Sialic acid storage disease, severe infantile type; Salla disease. Last evaluated: 2018-10-31. Review status: criteria provided, single submitter. Criteria: ACMG Guidelines, 2015. Collection method: clinical testing. Allele origin: unknown.

Women's Health and Genetics/Laboratory Corporation of America, LabCorp
Classification: Pathogenic for Salla disease. Last evaluated: 2018-05-25. Review status: criteria provided, single submitter. Criteria: LabCorp Variant Classification Summary - May 2015. Collection method: clinical testing. Allele origin: germline.
Comment: Variant summary: SLC17A5 c.918T>G (p.Tyr306X) results in a premature termination codon, predicted to cause a truncation of the encoded protein or absence of the protein due to nonsense mediated decay, which are commonly known mechanisms for disease. The variant allele was found at a frequency of 7.9e-05 in 277192 control chromosomes. This frequency is not higher than expected for a pathogenic variant in SLC17A5 causing Sialic Acid Storage Disorder (7.9e-05 vs 0.0024), allowing no conclusion about variant significance. c.918T>G has been reported in the literature in several individuals affected with Sialic Acid Storage Disorder, including a homozygous fetus with significantly elevated levels of free sialic acid (Froissart_2005). These data indicate that the variant is likely to be associated with disease. One clinical diagnostic laboratory has submitted clinical-significance assessments for this variant to ClinVar after 2014 and classified the variant as pathogenic. Based on the evidence outlined above, the variant was classified as pathogenic.

Knight Diagnostic Laboratories, Oregon Health and Sciences University
Classification: Pathogenic for Infantile sialic acid storage disease. Last evaluated: 2018-04-08. Review status: criteria provided, single submitter. Criteria: ACMG Guidelines, 2015. Collection method: clinical testing. Allele origin: germline. Observed: 1 variant allele.

CeGaT Center for Human Genetics Tuebingen
Classification: Pathogenic. Last evaluated: 2017-03-01. Review status: criteria provided, single submitter. Criteria: CeGaT Center For Human Genetics Tuebingen Variant Classification Criteria Version 2. Collection method: clinical testing. Allele origin: germline. Affected: yes. Observed: 1 variant allele.

ARUP Laboratories, Molecular Genetics and Genomics, ARUP Laboratories
Classification: Pathogenic. Last evaluated: 2016-09-14. Review status: criteria provided, single submitter. Criteria: ARUP Molecular Germline Variant Investigation Process. Collection method: clinical testing. Allele origin: germline.

Bruce Lefroy Centre, Murdoch Childrens Research Institute
Classification: Pathogenic for Sialic acid storage disease, severe infantile type. Review status: criteria provided, single submitter. Criteria: ACMG Guidelines, 2015. Collection method: research. Allele origin: maternal. Inheritance: Autosomal recessive inheritance. Affected: yes. Observed: 1 variant allele.

Natera, Inc.
Classification: Pathogenic for Salla disease. Last evaluated: 2020-09-16. Review status: no assertion criteria provided. Collection method: clinical testing. Allele origin: germline. Not counted in ClinVar's aggregate classification.

Counsyl
Classification: Pathogenic for Salla disease. Last evaluated: 2017-10-23. Review status: no assertion criteria provided. Collection method: clinical testing. Allele origin: unknown. Not counted in ClinVar's aggregate classification.

Literature cited by the submitters: PubMed 10581036 (cited by Labcorp Genetics (formerly Invitae), Labcorp); PubMed 10947946 (cited by 4 submitters); PubMed 15172001 (cited by Labcorp Genetics (formerly Invitae), Labcorp); PubMed 24993898 (cited by 3 submitters); PubMed 15805149 (cited by Women's Health and Genetics/Laboratory Corporation of America, LabCorp and Counsyl); PubMed 24767253 (cited by Women's Health and Genetics/Laboratory Corporation of America, LabCorp).